The following is an entry in ClinVar:

ClinVar aggregate classification (germline): Pathogenic (0 of 4 stars; one submission).

Conditions:
Alkaptonuria (AKU). Also called: Alkaptonuric ochronosis; Homogentisic acidura; Alcaptonuria; HOMOGENTISIC ACID OXIDASE DEFICIENCY. Identifiers: Orphanet 56, MedGen C0002066, MONDO:0008753, OMIM 203500.

gnomAD v4.1: 4 of 1,604,824 alleles (0.00025%); highest among the groups gnomAD compares: Non-Finnish European, 0.00034%; no homozygotes.

Submission:

Department Of Human Genetics, Institute Of Clinical And Translational Research, Biomedical Research Center, Slovak Academy Of Sciences
Classification: Pathogenic for Alkaptonuria. Review status: no assertion criteria provided. Collection method: research. Allele origin: germline. Inheritance: Autosomal recessive inheritance. Affected: yes. Observed: 1 variant allele.
Comment: The variant was originally described in AKU patient in PMID:19306858. It has been submitted to the HGD gene mutation database (DB-ID: AKU_00012).

Literature cited by the submitters: PubMed 19306858.

NM_000187.4(HGD):c.171G>C (p.Lys57Asn)

Gene: HGD (homogentisate 1,2-dioxygenase; minus strand). Cytogenetic location: 3q13.33.
Variant type: single nucleotide variant.
Coding change: c.171G>C on transcript NM_000187.4 (MANE Select); coding-DNA position 171, G replaced by C.
Protein change: p.Lys57Asn; replaces lysine 57 with asparagine.
Molecular consequence: missense variant.
Genome position (GRCh38, 1-based): chr3:120,674,906, C>G on the plus strand (G>C on the coding strand, the complement: HGD is on the minus strand). VCF-style: chr3-120674906-C-G. GRCh37 (hg19) VCF-style: chr3-120393753-C-G.
Other names: short protein forms K57N.
Identifiers: ClinVar variation 2626819 (VCV002626819.1), dbSNP rs771669017, ClinGen allele CA354081843.